The following is an entry in ClinVar:

NM_005654.6(NR2F1):c.214C>T (p.Gln72Ter)

Genes: NR2F1 (nuclear receptor subfamily 2 group F member 1; plus strand), NR2F1-AS1 (NR2F1 regulatory antisense RNA 1; minus strand). Cytogenetic location: 5q15.
Variant type: single nucleotide variant.
Coding change: c.214C>T on transcript NM_005654.6 (MANE Select); coding-DNA position 214, C replaced by T.
Protein change: p.Gln72Ter; replaces glutamine 72 with a stop codon.
Molecular consequence: nonsense.
Genome position (GRCh38, 1-based): chr5:93,585,237, C>T. VCF-style: chr5-93585237-C-T. GRCh37 (hg19) VCF-style: chr5-92920943-C-T.
Other names: short protein forms Q72*.
Identifiers: ClinVar variation 5010041 (VCV005010041.1).

ClinVar aggregate classification (germline): Pathogenic (1 of 4 stars; one submission).

Submission:

GeneDx
Classification: Pathogenic. Last evaluated: 2026-02-23. Review status: criteria provided, single submitter. Criteria: GeneDx Variant Classification Process June 2021. Collection method: clinical testing. Allele origin: germline.
Comment: Nonsense variant predicted to result in protein truncation or nonsense mediated decay in a gene for which loss of function is a known mechanism of disease; Not observed at significant frequency in large population cohorts (gnomAD); This variant is associated with the following publications: (PMID: 39972940)